The following is an entry in ClinVar:

ClinVar aggregate classification (germline): Likely benign (1 of 4 stars; one submission).

gnomAD v4.1: 438 of 1,614,202 alleles (0.027%); highest among the groups gnomAD compares: South Asian, 0.44%; 4 homozygotes.

Submission:

CeGaT Center for Human Genetics Tuebingen
Classification: Likely benign. Last evaluated: 2026-02-01. Review status: criteria provided, single submitter. Criteria: CeGaT Center For Human Genetics Tuebingen Variant Classification Criteria Version 2. Collection method: clinical testing. Allele origin: germline. Affected: yes. Observed: 1 variant allele.
Comment: TJP1: BP4, BP7

NM_001330239.4(TJP1):c.4569A>G (p.Ala1523=)

Gene: TJP1 (tight junction protein 1; minus strand). Cytogenetic location: 15q13.1.
Variant type: single nucleotide variant.
Coding change: c.4569A>G on transcript NM_001330239.4 (MANE Select); coding-DNA position 4569, A replaced by G.
Protein change: p.Ala1523=; no amino-acid change (alanine 1523 retained).
Molecular consequence: synonymous variant.
Genome position (GRCh38, 1-based): chr15:29,708,840, T>C on the plus strand (A>G on the coding strand, the complement: TJP1 is on the minus strand). VCF-style: chr15-29708840-T-C. GRCh37 (hg19) VCF-style: chr15-30001044-T-C.
Other names: c.4848A>G, p.Ala1616= (NM_001301025.3, NM_001355012.2); c.4341A>G, p.Ala1447= (NM_001301026.2); c.4581A>G, p.Ala1527= (NM_001355013.1); c.4569A>G, p.Ala1523= (NM_001355014.2, NM_003257.5); c.4329A>G, p.Ala1443= (NM_001355015.2, NM_175610.4).
Identifiers: ClinVar variation 4821094 (VCV004821094.4).
Genomic context (GRCh38, chr15:29,708,840, plus strand): 5'-AAACTTGCGTTCAAATGGTCGGGCAGAACTTGTATATGGTTTTGGTGTGAATCGATTGTA[T>C]GCTGGAGTGACTGTTTTCTGAGTCTGTTCAGTTCCATTAACTGGGGCTTTATCTGGAAAA-3'
Protein context (NP_001317168.1, residues 1513-1533): TEQTQKTVTP[Ala1523=]YNRFTPKPYT